The following is an entry in ClinVar:

ClinVar aggregate classification (germline): other (0 of 4 stars; one submission).

Conditions:
Familial colorectal cancer. Identifiers: MedGen CN280943, MONDO:0023113. Disease mechanism: loss of function.

Allele frequency attached by ClinVar (database versions not stated): gnomAD 0.00056 and 0.00089; TOPMed 0.00132; 1000 Genomes Project 0.00519; 1000 Genomes Project 30x 0.00468.
gnomAD v4.1: 133 of 152,326 alleles (0.087%); highest among the groups gnomAD compares: East Asian, 2.5%; 1 homozygote.

Submission:

Systems Biology Platform Zhejiang California International NanoSystems Institute
Classification: other for Familial colorectal cancer. Review status: no assertion criteria provided. Collection method: not provided. Allele origin: unknown.
ClinVar note: Converted during submission from cancer to other.

NM_000038.6(APC):c.531+679A>G

Gene: APC (APC regulator of WNT signaling pathway; plus strand). Cytogenetic location: 5q22.2.
Variant type: single nucleotide variant.
Coding change: c.531+679A>G on transcript NM_000038.6 (MANE Select); 679 bases into the intron after coding-DNA position 531, A replaced by G.
Molecular consequence: intron variant.
Genome position (GRCh38, 1-based): chr5:112,776,416, A>G. VCF-style: chr5-112776416-A-G. GRCh37 (hg19) VCF-style: chr5-112112113-A-G.
Other names: c.531+679A>G (NM_001354895.2, NM_001127510.3, NM_001354896.2 and 2 more transcripts); c.561+679A>G (NM_001354897.2, NM_001354902.2, NM_001127511.3); c.456+679A>G (NM_001354898.2, NM_001354904.2); c.-505+679A>G (NM_001354906.2); c.354+679A>G (NM_001354900.2, NM_001354901.2, NM_001354905.2).
Identifiers: ClinVar variation 82426 (VCV000082426.2), dbSNP rs80067367, ClinGen allele CA010198.